The following is an entry in ClinVar:

NM_005802.5(TOPORS):c.764T>C (p.Ile255Thr)

Gene: TOPORS (TOP1 binding arginine/serine rich protein, E3 ubiquitin ligase; minus strand). Cytogenetic location: 9p21.1.
Variant type: single nucleotide variant.
Coding change: c.764T>C on transcript NM_005802.5 (MANE Select); coding-DNA position 764, T replaced by C.
Protein change: p.Ile255Thr; replaces isoleucine 255 with threonine.
Molecular consequence: missense variant.
Genome position (GRCh38, 1-based): chr9:32,543,761, A>G on the plus strand (T>C on the coding strand, the complement: TOPORS is on the minus strand). VCF-style: chr9-32543761-A-G. GRCh37 (hg19) VCF-style: chr9-32543759-A-G.
Other names: c.569T>C, p.Ile190Thr (NM_001195622.2); short protein forms I255T, I190T.
Identifiers: ClinVar variation 2538934 (VCV002538934.4), dbSNP rs548547605, ClinGen allele CA5020602.

ClinVar aggregate classification (germline): Conflicting classifications of pathogenicity. Review status: criteria provided, conflicting classifications (1 of 4 stars). 3 submissions from 3 submitters: Uncertain significance (2); Benign (1). Last evaluated 2026-08-13.

Conditions:
TOPORS-related disorder. Also called: TOPORS-related condition.
Inborn genetic diseases. Identifiers: MedGen C0950123, MeSH D030342.

Allele frequency attached by ClinVar (database versions not stated): TOPMed below 0.00001; gnomAD 0.00001; gnomAD exomes 0.00001; ExAC 0.00002; 1000 Genomes Project 30x 0.00016; 1000 Genomes Project 0.00020.
gnomAD v4.1: 20 of 1,611,302 alleles (0.0012%); highest among the groups gnomAD compares: South Asian, 0.02%; no homozygotes.

Submissions (3):

PreventionGenetics, part of Exact Sciences
Classification: Uncertain significance for TOPORS-related condition. Last evaluated: 2026-08-13. Review status: criteria provided, single submitter. Criteria: ACMG Guidelines, 2015. Collection method: clinical testing. Allele origin: germline.
Comment: The TOPORS c.764T>C variant is predicted to result in the amino acid substitution p.Ile255Thr. To our knowledge, this variant has not been reported in the literature. This variant is reported in 0.020% of alleles in individuals of South Asian descent in gnomAD, which may be too frequent to be a primary cause of disease. Although we suspect that this variant may be benign, at this time, the clinical significance of this variant is uncertain due to the absence of conclusive functional and genetic evidence.

Ambry Genetics
Classification: Uncertain significance for Inborn genetic diseases. Last evaluated: 2023-04-19. Review status: criteria provided, single submitter. Criteria: Ambry Variant Classification Scheme 2023. Collection method: clinical testing. Allele origin: germline.

Blueprint Genetics
Classification: Benign. Last evaluated: 2022-02-08. Review status: criteria provided, single submitter. Criteria: ACMG Guidelines, 2015. Collection method: clinical testing. Allele origin: germline.